The following is an entry in ClinVar:

ClinVar aggregate classification (germline): Uncertain significance (1 of 4 stars; one submission).

Allele frequency attached by ClinVar (database versions not stated): gnomAD exomes 0.00002 and 0.00004; TOPMed 0.00003; ExAC 0.00004; gnomAD 0.00004; ESP Exome Variant Server 0.00008.
gnomAD v4.1: 39 of 1,613,660 alleles (0.0024%); highest among the groups gnomAD compares: Admixed American, 0.017%; no homozygotes.

Submission:

Labcorp Genetics (formerly Invitae), Labcorp
Classification: Uncertain significance. Last evaluated: 2022-06-27. Review status: criteria provided, single submitter. Criteria: Invitae Variant Classification Sherloc (09022015). Collection method: clinical testing. Allele origin: germline.
Comment: This sequence change replaces arginine, which is basic and polar, with glutamine, which is neutral and polar, at codon 632 of the ADAMTS10 protein (p.Arg632Gln). This variant is present in population databases (rs376693503, gnomAD 0.02%). This variant has not been reported in the literature in individuals affected with ADAMTS10-related conditions. Algorithms developed to predict the effect of missense changes on protein structure and function (SIFT, PolyPhen-2, Align-GVGD) all suggest that this variant is likely to be disruptive. In summary, the available evidence is currently insufficient to determine the role of this variant in disease. Therefore, it has been classified as a Variant of Uncertain Significance.

NM_030957.4(ADAMTS10):c.1895G>A (p.Arg632Gln)

Gene: ADAMTS10 (ADAM metallopeptidase with thrombospondin type 1 motif 10; minus strand). Cytogenetic location: 19p13.2.
Variant type: single nucleotide variant.
Coding change: c.1895G>A on transcript NM_030957.4 (MANE Select); coding-DNA position 1895, G replaced by A.
Protein change: p.Arg632Gln; replaces arginine 632 with glutamine.
Molecular consequence: missense variant.
Genome position (GRCh38, 1-based): chr19:8,589,894, C>T on the plus strand (G>A on the coding strand, the complement: ADAMTS10 is on the minus strand). VCF-style: chr19-8589894-C-T. GRCh37 (hg19) VCF-style: chr19-8654778-C-T.
Other names: c.367G>A, p.Gly123Arg (NM_001282352.2); short protein forms G123R, R632Q.
Identifiers: ClinVar variation 1430774 (VCV001430774.5), dbSNP rs376693503, ClinGen allele CA9160330.
Genomic context (GRCh38, chr19:8,589,894, plus strand): 5'-GACACTCCCACGGCTGCCCTTCACGGCCCCACAGCCTTTGGAGTCCCACACTCACCTCCC[C>T]GGTACGTTTTCCACTTGTAGAATTTCCCACGGAAAGGGATGCTGTCAAATTCAGAACACT-3'
Protein context (NP_112219.3, residues 622-642): RGKFYKWKTY[Arg632Gln]GGGVKACSLT